The following is an entry in ClinVar:

NM_022552.5(DNMT3A):c.2393T>G (p.Leu798Arg)

Gene: DNMT3A (DNA methyltransferase 3 alpha; minus strand). Cytogenetic location: 2p23.3.
Variant type: single nucleotide variant.
Coding change: c.2393T>G on transcript NM_022552.5 (MANE Select); coding-DNA position 2393, T replaced by G.
Protein change: p.Leu798Arg; replaces leucine 798 with arginine.
Molecular consequence: missense variant. On other transcripts: non-coding transcript variant (1).
Genome position (GRCh38, 1-based): chr2:25,239,145, A>C on the plus strand (T>G on the coding strand, the complement: DNMT3A is on the minus strand). VCF-style: chr2-25239145-A-C. GRCh37 (hg19) VCF-style: chr2-25462014-A-C.
Other names: c.1826T>G, p.Leu609Arg (NM_153759.3); c.2393T>G, p.Leu798Arg (NM_175629.2); c.1937T>G, p.Leu646Arg (NM_001320893.1); c.1724T>G, p.Leu575Arg (NM_001375819.1); short protein forms L575R, L609R, L646R, L798R.
Identifiers: ClinVar variation 4538925 (VCV004538925.2).
Genomic context (GRCh38, chr2:25,239,145, plus strand): 5'-GCAGTCCCAGCCCACAGCCCCCCAGGCCCAGGAGCTTTCACCAACCTGTTCATACCGGGA[A>C]GGTTACCCCAGAAGTAGCGGGCCCTGTGTGCAGCTGACACTTCTTTGGCATCAATCATCA-3'
Protein context (NP_072046.2, residues 788-808): AHRARYFWGN[Leu798Arg]PGMNRPLAST

ClinVar aggregate classification (germline): Likely pathogenic (1 of 4 stars; one submission).

gnomAD v4.1: 2 of 1,613,988 alleles (0.00012%); highest among the groups gnomAD compares: Non-Finnish European, 0.00017%; no homozygotes.

Submission:

GeneDx
Classification: Likely pathogenic. Last evaluated: 2026-03-12. Review status: criteria provided, single submitter. Criteria: GeneDx Variant Classification Process June 2021. Collection method: clinical testing. Allele origin: germline.
Comment: Not observed at significant frequency in large population cohorts (gnomAD); In silico analysis supports that this missense variant has a deleterious effect on protein structure/function; Has not been previously published as pathogenic or benign to our knowledge